The following is an entry in ClinVar:

ClinVar aggregate classification (germline): Pathogenic/Likely pathogenic. Review status: criteria provided, multiple submitters, no conflicts (2 of 4 stars). 2 submissions from 2 submitters: Pathogenic (1); Likely pathogenic (1). Last evaluated 2023-10-16.

Conditions:
Female infertility due to zona pellucida defect (OZEMA1). Also called: Oocyte maturation defect 1; OOCYTE/ZYGOTE/EMBRYO MATURATION ARREST 1. Identifiers: Orphanet 404466, MedGen C4014291, MONDO:0014342, OMIM 615774.

Submissions (2):

Department of Pathology and Laboratory Medicine, Sinai Health System
Classification: Likely pathogenic for Female infertility due to zona pellucida defect. Last evaluated: 2023-10-16. Review status: criteria provided, single submitter. Criteria: ACMG Guidelines, 2015. Collection method: research. Allele origin: germline.

Juno Genomics, Hangzhou Juno Genomics, Inc
Classification: Pathogenic for Female infertility due to zona pellucida defect. Review status: criteria provided, single submitter. Criteria: ACMG Guidelines, 2015. Collection method: clinical testing. Allele origin: germline. Affected: yes.
Comment: Absent from controls (or at extremely low frequency if recessive) in Genome Aggregation Database, Exome Sequencing Project, 1000 Genomes Project, or Exome Aggregation Consortium.;For recessive disorders, detected in trans with a pathogenic variant.;Null variant in a gene where loss of function (LOF) is a known mechanism of disease.;Patient's phenotype or family history is highly specific for a disease with a single genetic etiology.

NM_207341.4(ZP1):c.1113-2A>G

Gene: ZP1 (zona pellucida glycoprotein 1; plus strand). Cytogenetic location: 11q12.2.
Variant type: single nucleotide variant.
Coding change: c.1113-2A>G on transcript NM_207341.4 (MANE Select); the canonical splice acceptor site of the intron before coding-DNA position 1113, A replaced by G.
Molecular consequence: splice acceptor variant.
Genome position (GRCh38, 1-based): chr11:60,873,160, A>G. VCF-style: chr11-60873160-A-G. GRCh37 (hg19) VCF-style: chr11-60640633-A-G.
Other names: c.234-2A>G (NM_001391943.1); c.-82-2A>G (NM_001391944.1).
Identifiers: ClinVar variation 3382920 (VCV003382920.3).
Genomic context (GRCh38, chr11:60,873,160, plus strand): 5'-TACGTAAACAGGATGCTCTGATTCTGTGTCTTCTCCCCCACCCTCTTGCACGTGGACTTC[A>G]GGCTTCATGTGCGCTGTGTCTTCAACGCCAGTGACTTCCTGCCCATTCAGGCATCCATTT-3'